The following is an entry in ClinVar:

NM_001261826.3(AP3D1):c.650A>G (p.Asn217Ser)

Gene: AP3D1 (adaptor related protein complex 3 subunit delta 1; minus strand). Cytogenetic location: 19p13.3.
Variant type: single nucleotide variant.
Coding change: c.650A>G on transcript NM_001261826.3 (MANE Select); coding-DNA position 650, A replaced by G.
Protein change: p.Asn217Ser; replaces asparagine 217 with serine.
Molecular consequence: missense variant.
Genome position (GRCh38, 1-based): chr19:2,129,400, T>C on the plus strand (A>G on the coding strand, the complement: AP3D1 is on the minus strand). VCF-style: chr19-2129400-T-C. GRCh37 (hg19) VCF-style: chr19-2129399-T-C.
Other names: c.650A>G, p.Asn217Ser (NM_001374799.1, NM_003938.8); short protein forms N217S.
Identifiers: ClinVar variation 2761896 (VCV002761896.3), dbSNP rs2512201465, ClinGen allele CA403227496.
Genomic context (GRCh38, chr19:2,129,400, plus strand): 5'-ACCCAGTTGTTGGTGGAGGACGTCATCAGCTTGAAAAAGAGCGGGGCCAGGGACAGGTAG[T>C]TCTTAGGGTTGCGTCTGGCCAGCTCGCAGATGACATTGACGGCAGCCGACTGAACCCCTG-3'
Protein context (NP_001248755.1, residues 207-227): ICELARRNPK[Asn217Ser]YLSLAPLFFK

ClinVar aggregate classification (germline): Uncertain significance (1 of 4 stars; one submission).

Allele frequency attached by ClinVar (database versions not stated): gnomAD exomes below 0.00001.
gnomAD v4.1: 1 of 1,614,008 alleles (0.000062%); highest among the groups gnomAD compares: South Asian, 0.0011%; no homozygotes.

Submission:

Labcorp Genetics (formerly Invitae), Labcorp
Classification: Uncertain significance. Last evaluated: 2025-08-29. Review status: criteria provided, single submitter. Criteria: Invitae Variant Classification Sherloc (09022015). Collection method: clinical testing. Allele origin: germline.
Comment: This sequence change replaces asparagine, which is neutral and polar, with serine, which is neutral and polar, at codon 217 of the AP3D1 protein (p.Asn217Ser). This variant is not present in population databases (gnomAD no frequency). This variant has not been reported in the literature in individuals affected with AP3D1-related conditions. ClinVar contains an entry for this variant (Variation ID: 2761896). An algorithm developed to predict the effect of missense changes on protein structure and function (PolyPhen-2) suggests that this variant is likely to be disruptive. In summary, the available evidence is currently insufficient to determine the role of this variant in disease. Therefore, it has been classified as a Variant of Uncertain Significance.